The following is an entry in ClinVar:

ClinVar aggregate classification (germline): Conflicting classifications of pathogenicity. Review status: criteria provided, conflicting classifications (1 of 4 stars). 2 submissions from 2 submitters: Pathogenic (1); Uncertain significance (1). Last evaluated 2022-06-12.

Conditions:
Combined oxidative phosphorylation defect type 8. Also called: CARDIOMYOPATHY, HYPERTROPHIC MITOCHONDRIAL, FATAL INFANTILE. Identifiers: Orphanet 319504, MedGen C4518839, MONDO:0013570, OMIM 614096.

Submissions (2):

Labcorp Genetics (formerly Invitae), Labcorp
Classification: Uncertain significance. Last evaluated: 2022-06-12. Review status: criteria provided, single submitter. Criteria: Invitae Variant Classification Sherloc (09022015). Collection method: clinical testing. Allele origin: germline.
Comment: In summary, the available evidence is currently insufficient to determine the role of this variant in disease. Therefore, it has been classified as a Variant of Uncertain Significance. Advanced modeling of protein sequence and biophysical properties (such as structural, functional, and spatial information, amino acid conservation, physicochemical variation, residue mobility, and thermodynamic stability) performed at Invitae indicates that this missense variant is not expected to disrupt AARS2 protein function. This missense change has been observed in individual(s) with clinical features of leukoencephalopathy (Invitae). This variant is not present in population databases (gnomAD no frequency). This sequence change replaces serine, which is neutral and polar, with phenylalanine, which is neutral and non-polar, at codon 361 of the AARS2 protein (p.Ser361Phe).

Mendelics
Classification: Pathogenic for Combined oxidative phosphorylation defect type 8. Last evaluated: 2022-05-04. Review status: criteria provided, single submitter. Criteria: Mendelics Assertion Criteria 2019. Collection method: clinical testing. Allele origin: germline.

NM_020745.4(AARS2):c.1082C>T (p.Ser361Phe)

Gene: AARS2 (alanyl-tRNA synthetase 2, mitochondrial; minus strand). Cytogenetic location: 6p21.1.
Variant type: single nucleotide variant.
Coding change: c.1082C>T on transcript NM_020745.4 (MANE Select); coding-DNA position 1082, C replaced by T.
Protein change: p.Ser361Phe; replaces serine 361 with phenylalanine.
Molecular consequence: missense variant.
Genome position (GRCh38, 1-based): chr6:44,306,990, G>A on the plus strand (C>T on the coding strand, the complement: AARS2 is on the minus strand). VCF-style: chr6-44306990-G-A. GRCh37 (hg19) VCF-style: chr6-44274727-G-A.
Other names: short protein forms S361F.
Identifiers: ClinVar variation 1685484 (VCV001685484.7), dbSNP rs2153355304, ClinGen allele CA364339987.